The following is an entry in ClinVar:

ClinVar aggregate classification (germline): Likely benign. Review status: criteria provided, multiple submitters, no conflicts (2 of 4 stars). 4 submissions from 4 submitters: Likely benign (4). Last evaluated 2025-08-17.

Conditions:
Pyruvate dehydrogenase E2 deficiency (PDHDD). Also called: Dihydrolipoamide Acetyltransferase (E2) Deficiency; LACTIC ACIDEMIA DUE TO DEFECT OF E2 LIPOYL TRANSACETYLASE OF THE PYRUVATE DEHYDROGENASE COMPLEX. Identifiers: Orphanet 765, Orphanet 79244, MedGen C1855565, MONDO:0009502, OMIM 245348.

Allele frequency attached by ClinVar (database versions not stated): gnomAD exomes 0.00003 and 0.00005; ExAC 0.00005; gnomAD 0.00013 and 0.00014; 1000 Genomes Project 30x 0.00016; TOPMed 0.00019; 1000 Genomes Project 0.00020; ESP Exome Variant Server 0.00023.
gnomAD v4.1: 38 of 1,613,820 alleles (0.0024%); highest among the groups gnomAD compares: African/African-American, 0.032%; no homozygotes.

Submissions (4):

Labcorp Genetics (formerly Invitae), Labcorp
Classification: Likely benign for Pyruvate dehydrogenase E2 deficiency. Last evaluated: 2025-08-17. Review status: criteria provided, single submitter. Criteria: Invitae Variant Classification Sherloc (09022015). Collection method: clinical testing. Allele origin: germline.

Blueprint Genetics
Classification: Likely benign. Last evaluated: 2021-03-19. Review status: criteria provided, single submitter. Criteria: ACMG Guidelines, 2015. Collection method: clinical testing. Allele origin: germline.

GeneDx
Classification: Likely benign. Last evaluated: 2017-06-23. Review status: criteria provided, single submitter. Criteria: GeneDx Variant Classification (06012015). Collection method: clinical testing. Allele origin: germline. Affected: yes.
Comment: This variant is considered likely benign or benign based on one or more of the following criteria: it is a conservative change, it occurs at a poorly conserved position in the protein, it is predicted to be benign by multiple in silico algorithms, and/or has population frequency not consistent with disease.

Breakthrough Genomics
Classification: Likely benign. Review status: criteria provided, single submitter. Criteria: ACMG Guidelines, 2015. Collection method: not provided. Allele origin: germline. Inheritance: Autosomal recessive inheritance. Affected: yes.

NM_001931.5(DLAT):c.687C>T (p.Thr229=)

Gene: DLAT (dihydrolipoamide S-acetyltransferase; plus strand). Cytogenetic location: 11q23.1.
Variant type: single nucleotide variant.
Coding change: c.687C>T on transcript NM_001931.5 (MANE Select); coding-DNA position 687, C replaced by T.
Protein change: p.Thr229=; no amino-acid change (threonine 229 retained).
Molecular consequence: synonymous variant. On other transcripts: non-coding transcript variant (1), intron variant (3).
Genome position (GRCh38, 1-based): chr11:112,033,430, C>T. VCF-style: chr11-112033430-C-T. GRCh37 (hg19) VCF-style: chr11-111904154-C-T.
Other names: c.687C>T, p.Thr229= (NM_001372031.1, NM_001372032.1, NM_001372033.1 and 1 more transcripts); c.654C>T, p.Thr218= (NM_001372034.1); c.561C>T, p.Thr187= (NM_001372036.1); c.519C>T, p.Thr173= (NM_001372037.1); c.408C>T, p.Thr136= (NM_001372038.1); c.225C>T, p.Thr75= (NM_001372042.1); c.660+4485C>T (NM_001372039.1, NM_001372041.1); c.365-59C>T (NM_001372040.1).
Identifiers: ClinVar variation 517998 (VCV000517998.6), dbSNP rs144642035, ClinGen allele CA6276723.